The following is an entry in ClinVar:

ClinVar aggregate classification (germline): Uncertain significance (1 of 4 stars; one submission).

Allele frequency attached by ClinVar (database versions not stated): gnomAD 0.00001; gnomAD exomes 0.00002; TOPMed 0.00002; ExAC 0.00003.
gnomAD v4.1: 28 of 1,605,580 alleles (0.0017%); highest among the groups gnomAD compares: Middle Eastern, 0.083%; no homozygotes.

Submission:

Ambry Genetics
Classification: Uncertain significance. Last evaluated: 2025-12-10. Review status: criteria provided, single submitter. Criteria: Ambry Variant Classification Scheme 2023. Collection method: clinical testing. Allele origin: germline.
Comment: The p.T384A variant (also known as c.1150A>G), located in coding exon 6 of the PKP4 gene, results from an A to G substitution at nucleotide position 1150. The threonine at codon 384 is replaced by alanine, an amino acid with similar properties. This amino acid position is conserved. In addition, the in silico prediction for this alteration is inconclusive. Since supporting evidence is limited at this time, the clinical significance of this alteration remains unclear.

NM_003628.6(PKP4):c.1150A>G (p.Thr384Ala)

Gene: PKP4 (plakophilin 4; plus strand). Cytogenetic location: 2q24.1.
Variant type: single nucleotide variant.
Coding change: c.1150A>G on transcript NM_003628.6 (MANE Select); coding-DNA position 1150, A replaced by G.
Protein change: p.Thr384Ala; replaces threonine 384 with alanine.
Molecular consequence: missense variant.
Genome position (GRCh38, 1-based): chr2:158,625,424, A>G. VCF-style: chr2-158625424-A-G. GRCh37 (hg19) VCF-style: chr2-159481936-A-G.
Other names: c.1150A>G, p.Thr384Ala (NM_001005476.4, NM_001304969.3, NM_001304971.2 and 6 more transcripts); c.124A>G, p.Thr42Ala (NM_001304970.3); c.1144A>G, p.Thr382Ala (NM_001377222.1, NM_001377223.1, NM_001377224.1); short protein forms T384A, T382A, T42A.
Identifiers: ClinVar variation 1733932 (VCV001733932.3), dbSNP rs747382264, ClinGen allele CA1920606.